The following is an entry in ClinVar:

NM_020975.6(RET):c.621G>A (p.Leu207=)

Gene: RET (ret proto-oncogene; plus strand). Cytogenetic location: 10q11.21.
Variant type: single nucleotide variant.
Coding change: c.621G>A on transcript NM_020975.6 (MANE Select); coding-DNA position 621, G replaced by A.
Protein change: p.Leu207=; no amino-acid change (leucine 207 retained).
Molecular consequence: synonymous variant. On other transcripts: intron variant (15).
Genome position (GRCh38, 1-based): chr10:43,102,625, G>A. VCF-style: chr10-43102625-G-A. GRCh37 (hg19) VCF-style: chr10-43598073-G-A.
Other names: c.621G>A, p.Leu207= (NM_000323.2, NM_001406743.1, NM_001406744.1 and 16 more transcripts); c.492G>A, p.Leu164= (NM_001406761.1, NM_001406762.1, NM_001406764.1 and 4 more transcripts); c.337+1903G>A (NM_001406770.1, NM_001406766.1, NM_001406767.1 and 8 more transcripts); c.74-6406G>A (NM_001406784.1); c.74-9474G>A (NM_001406794.1, NM_001406792.1, NM_001406793.1).
Identifiers: ClinVar variation 1115853 (VCV001115853.14), dbSNP rs1343290853, ClinGen allele CA469020725.

ClinVar aggregate classification (germline): Likely benign. Review status: criteria provided, multiple submitters, no conflicts (2 of 4 stars). 4 submissions from 4 submitters: Likely benign (4). Last evaluated 2024-07-30.

Conditions:
Hereditary cancer-predisposing syndrome. Also called: Hereditary neoplastic syndrome; Hereditary Cancer Syndrome; Neoplastic Syndromes, Hereditary; Tumor predisposition. Identifiers: Orphanet 140162, MedGen C0027672, MeSH D009386, MONDO:0015356.
Multiple endocrine neoplasia, type 2 (MEN2). Identifiers: Orphanet 653, MedGen C4048306, MONDO:0019003. Disease mechanism: gain of function.

Allele frequency attached by ClinVar (database versions not stated): gnomAD exomes below 0.00001.
gnomAD v4.1: 1 of 1,614,078 alleles (0.000062%); highest among the groups gnomAD compares: Non-Finnish European, 0.000085%; no homozygotes.

Submissions (4):

Labcorp Genetics (formerly Invitae), Labcorp
Classification: Likely benign for Multiple endocrine neoplasia, type 2. Last evaluated: 2024-07-30. Review status: criteria provided, single submitter. Criteria: Invitae Variant Classification Sherloc (09022015). Collection method: clinical testing. Allele origin: germline.

All of Us Research Program, National Institutes of Health
Classification: Likely benign for Multiple endocrine neoplasia, type 2. Last evaluated: 2023-06-15. Review status: criteria provided, single submitter. Criteria: ACMG Guidelines, 2015. Collection method: clinical testing. Allele origin: germline. Inheritance: Autosomal dominant inheritance. Observed: 2 variant alleles, 2 heterozygotes.
Comment: This study involves interpretation of variants in research participants for the purpose of population health screening. Participant phenotype was not available at the time of variant classification. Additional details can be found in publication PMID: 35346344, PMCID: PMC8962531

Color Diagnostics, LLC DBA Color Health
Classification: Likely benign for Multiple endocrine neoplasia, type 2. Last evaluated: 2023-04-18. Review status: criteria provided, single submitter. Criteria: ACMG Guidelines, 2015. Collection method: clinical testing. Allele origin: germline.

Ambry Genetics
Classification: Likely benign for Hereditary cancer-predisposing syndrome. Last evaluated: 2020-01-23. Review status: criteria provided, single submitter. Criteria: Ambry Variant Classification Scheme 2023. Collection method: clinical testing. Allele origin: germline.